The following is an entry in ClinVar:

NM_024420.3(PLA2G4A):c.2128G>A (p.Glu710Lys)

Gene: PLA2G4A (phospholipase A2 group IVA; plus strand). Cytogenetic location: 1q31.1.
Variant type: single nucleotide variant.
Coding change: c.2128G>A on transcript NM_024420.3 (MANE Select); coding-DNA position 2128, G replaced by A.
Protein change: p.Glu710Lys; replaces glutamic acid 710 with lysine.
Molecular consequence: missense variant.
Genome position (GRCh38, 1-based): chr1:186,988,386, G>A. VCF-style: chr1-186988386-G-A. GRCh37 (hg19) VCF-style: chr1-186957518-G-A.
Other names: c.1948G>A, p.Glu650Lys (NM_001311193.2); short protein forms E650K, E710K.
Identifiers: ClinVar variation 2065379 (VCV002065379.1), dbSNP rs771192672, ClinGen allele CA1300389.

ClinVar aggregate classification (germline): Uncertain significance (1 of 4 stars; one submission).

Allele frequency attached by ClinVar (database versions not stated): ExAC 0.00014; gnomAD exomes 0.00019; gnomAD 0.00022; TOPMed 0.00034.
gnomAD v4.1: 306 of 1,611,618 alleles (0.019%); highest among the groups gnomAD compares: Admixed American, 0.088%; no homozygotes.

Submission:

Labcorp Genetics (formerly Invitae), Labcorp
Classification: Uncertain significance. Last evaluated: 2022-07-16. Review status: criteria provided, single submitter. Criteria: Invitae Variant Classification Sherloc (09022015). Collection method: clinical testing. Allele origin: germline.
Comment: This sequence change replaces glutamic acid, which is acidic and polar, with lysine, which is basic and polar, at codon 710 of the PLA2G4A protein (p.Glu710Lys). This variant is present in population databases (rs771192672, gnomAD 0.07%). This variant has not been reported in the literature in individuals affected with PLA2G4A-related conditions. Algorithms developed to predict the effect of missense changes on protein structure and function output the following: SIFT: "Tolerated"; PolyPhen-2: "Benign"; Align-GVGD: "Class C0". The lysine amino acid residue is found in multiple mammalian species, which suggests that this missense change does not adversely affect protein function. In summary, the available evidence is currently insufficient to determine the role of this variant in disease. Therefore, it has been classified as a Variant of Uncertain Significance.